The following is an entry in ClinVar:

ClinVar aggregate classification (germline): Uncertain significance (1 of 4 stars; one submission).

Submission:

Ambry Genetics
Classification: Uncertain significance. Last evaluated: 2023-12-07. Review status: criteria provided, single submitter. Criteria: Ambry Variant Classification Scheme 2023. Collection method: clinical testing. Allele origin: germline.
Comment: The p.K578N variant (also known as c.1734A>T), located in coding exon 12 of the RINT1 gene, results from an A to T substitution at nucleotide position 1734. The lysine at codon 578 is replaced by asparagine, an amino acid with similar properties. This amino acid position is conserved. In addition, this alteration is predicted to be tolerated by in silico analysis. Since supporting evidence is limited at this time, the clinical significance of this alteration remains unclear.

NM_021930.6(RINT1):c.1734A>T (p.Lys578Asn)

Gene: RINT1 (RAD50 interactor 1; plus strand). Cytogenetic location: 7q22.3.
Variant type: single nucleotide variant.
Coding change: c.1734A>T on transcript NM_021930.6 (MANE Select); coding-DNA position 1734, A replaced by T.
Protein change: p.Lys578Asn; replaces lysine 578 with asparagine.
Molecular consequence: missense variant. On other transcripts: non-coding transcript variant (1).
Genome position (GRCh38, 1-based): chr7:105,563,795, A>T. VCF-style: chr7-105563795-A-T. GRCh37 (hg19) VCF-style: chr7-105204242-A-T.
Other names: c.1500A>T, p.Lys500Asn (NM_001346599.2); c.711A>T, p.Lys237Asn (NM_001346600.2, NM_001346603.2); c.810A>T, p.Lys270Asn (NM_001346601.2); short protein forms K237N, K270N, K500N, K578N.
Identifiers: ClinVar variation 3227613 (VCV003227613.1), dbSNP rs2485175517, ClinGen allele CA368813683.